The following is an entry in ClinVar:

NM_001130987.2(DYSF):c.6073del (p.Glu2025fs)

Gene: DYSF (dysferlin; plus strand). Cytogenetic location: 2p13.2.
Variant type: Deletion.
Coding change: c.6073del on transcript NM_001130987.2 (MANE Select); coding-DNA position 6073, one base deleted (G; older notation c.6073delG).
Protein change: p.Glu2025fs; shifts the reading frame from glutamic acid 2025.
Molecular consequence: frameshift variant.
Genome position (GRCh38, 1-based): chr2:71,681,010, G deleted; the last of 2 consecutive G bases (chr2:71,681,009-71,681,010); deleting either gives the same sequence. VCF-style (leftmost placement, unchanged base first): chr2-71681008-TG-T. GRCh37 (hg19) VCF-style: chr2-71908138-TG-T.
Other names: c.5959del, p.Glu1987fs (NM_001130455.2); c.5914del, p.Glu1972fs (NM_001130976.2); c.5977del, p.Glu1993fs (NM_001130977.2); c.6019del, p.Glu2007fs (NM_001130978.2); c.6049del, p.Glu2017fs (NM_001130979.2); c.6007del, p.Glu2003fs (NM_001130980.2); c.6070del, p.Glu2024fs (NM_001130981.2); c.6052del, p.Glu2018fs (NM_001130982.2); and 5 more; short protein forms E1972fs, E1973fs, E1986fs, E1987fs, E1993fs, E1994fs, E2003fs, E2004fs.
Identifiers: ClinVar variation 1725157 (VCV001725157.3), dbSNP rs2546643711, ClinGen allele CA2580067952.
Genomic context (GRCh38, chr2:71,681,008, plus strand): 5'-GGCCACTGAGCAGAGCCTTCGTGCCCCTAACCAAGTGCTCTCTGTCCCCTCAGGGCAAGC[TG>T]GAAATGACCTTGGAGATTGTAGCAGAGAGTGAGCATGAGGAGCGGCCTGCTGGCCAGGGC-3'

ClinVar aggregate classification (germline): Likely pathogenic (1 of 4 stars; one submission).

Conditions:
Autosomal recessive limb-girdle muscular dystrophy. Identifiers: Orphanet 102015, MedGen C2931907, MONDO:0015152.

Submission:

Myriad Genetics, Inc.
Classification: Likely pathogenic for Autosomal recessive limb-girdle muscular dystrophy. Last evaluated: 2022-03-10. Review status: criteria provided, single submitter. Criteria: Myriad Autosomal Dominant, Autosomal Recessive and X-Linked Classification Criteria (2023). Collection method: clinical testing. Allele origin: unknown.
Comment: NM_003494.3(DYSF):c.5956delG(E1986Kfs*2) is expected to be pathogenic in the context of dysferlinopathy. This variant is predicted to lead to an abnormal or absent protein product due to the creation of a premature termination codon in DYSF, a gene where loss-of-function variants are known to be pathogenic. Please note: this variant was assessed in the context of healthy population screening.